The following is an entry in ClinVar:

ClinVar aggregate classification (germline): Uncertain significance. Review status: criteria provided, multiple submitters, no conflicts (2 of 4 stars). 3 submissions from 3 submitters: Uncertain significance (3). Last evaluated 2025-10-23.

Conditions:
Hereditary cancer-predisposing syndrome. Also called: Hereditary Cancer Syndrome; Neoplastic Syndromes, Hereditary; Tumor predisposition; Hereditary neoplastic syndrome. Identifiers: Orphanet 140162, MedGen C0027672, MeSH D009386, MONDO:0015356.
Hereditary breast ovarian cancer syndrome. Also called: Hereditary breast and ovarian cancer syndrome; Hereditary breast and ovarian cancer; Hereditary breast and ovarian cancer syndrome (HBOC); Breast and ovarian cancer; Hereditary breast and/or ovarian cancer syndrome; BRCA1- and BRCA2-Associated Hereditary Breast and Ovarian Cancer. Identifiers: Orphanet 145, MedGen C0677776, MeSH D061325, MONDO:0003582. Disease mechanism: loss of function.

Allele frequency attached by ClinVar (database versions not stated): gnomAD exomes below 0.00001; ExAC 0.00001.
gnomAD v4.1: 1 of 1,613,966 alleles (0.000062%); highest among the groups gnomAD compares: Non-Finnish European, 0.000085%; no homozygotes.

Submissions (3):

Labcorp Genetics (formerly Invitae), Labcorp
Classification: Uncertain significance for Hereditary breast ovarian cancer syndrome. Last evaluated: 2025-10-23. Review status: criteria provided, single submitter. Criteria: Invitae Variant Classification Sherloc (09022015). Collection method: clinical testing. Allele origin: germline.
Comment: This sequence change replaces glycine, which is neutral and non-polar, with valine, which is neutral and non-polar, at codon 129 of the BRCA1 protein (p.Gly129Val). This variant is present in population databases (rs764231119, gnomAD 0.0009%). This variant has not been reported in the literature in individuals affected with BRCA1-related conditions. ClinVar contains an entry for this variant (Variation ID: 481476). Invitae Evidence Modeling of protein sequence and biophysical properties (such as structural, functional, and spatial information, amino acid conservation, physicochemical variation, residue mobility, and thermodynamic stability) indicates that this missense variant is expected to disrupt BRCA1 protein function with a positive predictive value of 80%. In summary, the available evidence is currently insufficient to determine the role of this variant in disease. Therefore, it has been classified as a Variant of Uncertain Significance.

Ambry Genetics
Classification: Uncertain significance for Hereditary cancer-predisposing syndrome. Last evaluated: 2024-09-30. Review status: criteria provided, single submitter. Criteria: Ambry Variant Classification Scheme 2023. Collection method: clinical testing. Allele origin: germline.
Comment: The p.G129V variant (also known as c.386G>T), located in coding exon 5 of the BRCA1 gene, results from a G to T substitution at nucleotide position 386. The glycine at codon 129 is replaced by valine, an amino acid with dissimilar properties. This amino acid position is highly conserved in available vertebrate species. In addition, this alteration is predicted to be deleterious by in silico analysis. Since supporting evidence is limited at this time, the clinical significance of this alteration remains unclear.

Color Diagnostics, LLC DBA Color Health
Classification: Uncertain significance for Hereditary cancer-predisposing syndrome. Last evaluated: 2023-04-11. Review status: criteria provided, single submitter. Criteria: ACMG Guidelines, 2015. Collection method: clinical testing. Allele origin: germline.
Comment: This missense variant replaces glycine with valine at codon 129 of the BRCA1 protein. Computational prediction suggests that this variant may have deleterious impact on protein structure and function (internally defined REVEL score threshold >= 0.7, PMID: 27666373). A functional study has reported that this variant may be functional in a high-throughput homology-directed repair assay (PMID: 30219179). This variant has not been reported in individuals affected with BRCA1-related disorders in the literature. This variant has been identified in 1/251448 chromosomes in the general population by the Genome Aggregation Database (gnomAD). The available evidence is insufficient to determine the role of this variant in disease conclusively. Therefore, this variant is classified as a Variant of Uncertain Significance.

Literature cited by the submitters: PubMed 30219179 (cited by Color Diagnostics, LLC DBA Color Health).

NM_007294.4(BRCA1):c.386G>T (p.Gly129Val)

Gene: BRCA1 (BRCA1 DNA repair associated; minus strand). Cytogenetic location: 17q21.31.
Variant type: single nucleotide variant.
Coding change: c.386G>T on transcript NM_007294.4 (MANE Select); coding-DNA position 386, G replaced by T.
Protein change: p.Gly129Val; replaces glycine 129 with valine.
Molecular consequence: missense variant. On other transcripts: non-coding transcript variant (1).
Genome position (GRCh38, 1-based): chr17:43,104,177, C>A on the plus strand (G>T on the coding strand, the complement: BRCA1 is on the minus strand). VCF-style: chr17-43104177-C-A. GRCh37 (hg19) VCF-style: chr17-41256194-C-A.
Other names: c.176G>T, p.Gly59Val (NM_001407948.1, NM_001407949.1, NM_001407950.1 and 58 more transcripts); c.5G>T, p.Gly2Val (NM_001407959.1, NM_001407960.1, NM_001407962.1 and 4 more transcripts); c.245G>T, p.Gly82Val (NM_001407964.1, NM_001408410.1, NM_001408452.1 and 99 more transcripts); c.386G>T, p.Gly129Val (NM_001407968.1, NM_001407969.1, NM_001407970.1 and 165 more transcripts); c.377G>T, p.Gly126Val (NM_001408408.1, NM_001407646.1, NM_001407647.1); c.308G>T, p.Gly103Val (NM_001408409.1, NM_001408411.1, NM_001408412.1 and 21 more transcripts); c.254G>T, p.Gly85Val (NM_001408451.1); short protein forms G129V, G82V, G126V, G103V, G2V, G85V, G59V.
Identifiers: ClinVar variation 481476 (VCV000481476.18), dbSNP rs764231119, ClinGen allele CA055836.